The following is an entry in ClinVar:

ClinVar aggregate classification (germline): Uncertain significance. Review status: criteria provided, multiple submitters, no conflicts (2 of 4 stars). 2 submissions from 2 submitters: Uncertain significance (2). Last evaluated 2026-01-24.

Conditions:
RASopathy. Also called: rasopathies; Noonan spectrum disorder. Identifiers: Orphanet 536391, MedGen C5555857, MONDO:0021060.

gnomAD v4.1: 1 of 1,612,996 alleles (0.000062%); no homozygotes.

Submissions (2):

GeneDx
Classification: Uncertain significance. Last evaluated: 2026-01-24. Review status: criteria provided, single submitter. Criteria: GeneDx Variant Classification Process June 2021. Collection method: clinical testing. Allele origin: germline.
Comment: Not observed at significant frequency in large population cohorts (gnomAD); Missense variants in this gene are a common cause of disease and they are underrepresented in the general population; In silico analysis supports that this missense variant has a deleterious effect on protein structure/function; Has not been previously published as pathogenic or benign to our knowledge; This variant is associated with the following publications: (PMID: 29493581)

Labcorp Genetics (formerly Invitae), Labcorp
Classification: Uncertain significance for RASopathy. Last evaluated: 2022-07-13. Review status: criteria provided, single submitter. Criteria: Invitae Variant Classification Sherloc (09022015). Collection method: clinical testing. Allele origin: germline.
Comment: ClinVar contains an entry for this variant (Variation ID: 1485648). This sequence change replaces phenylalanine, which is neutral and non-polar, with leucine, which is neutral and non-polar, at codon 958 of the SOS1 protein (p.Phe958Leu). This variant is not present in population databases (gnomAD no frequency). This variant has not been reported in the literature in individuals affected with SOS1-related conditions. Advanced modeling of protein sequence and biophysical properties (such as structural, functional, and spatial information, amino acid conservation, physicochemical variation, residue mobility, and thermodynamic stability) performed at Invitae indicates that this missense variant is expected to disrupt SOS1 protein function. In summary, the available evidence is currently insufficient to determine the role of this variant in disease. Therefore, it has been classified as a Variant of Uncertain Significance.

NM_005633.4(SOS1):c.2874T>G (p.Phe958Leu)

Gene: SOS1 (SOS Ras/Rac guanine nucleotide exchange factor 1; minus strand). Cytogenetic location: 2p22.1.
Variant type: single nucleotide variant.
Coding change: c.2874T>G on transcript NM_005633.4 (MANE Select); coding-DNA position 2874, T replaced by G.
Protein change: p.Phe958Leu; replaces phenylalanine 958 with leucine.
Molecular consequence: missense variant.
Genome position (GRCh38, 1-based): chr2:38,997,343, A>C on the plus strand (T>G on the coding strand, the complement: SOS1 is on the minus strand). VCF-style: chr2-38997343-A-C. GRCh37 (hg19) VCF-style: chr2-39224484-A-C.
Other names: c.2874T>G (NM_005633.3); c.2853T>G, p.Phe951Leu (NM_001382394.1); c.2874T>G, p.Phe958Leu (NM_001382395.1); short protein forms F951L, F958L.
Identifiers: ClinVar variation 1485648 (VCV001485648.8), dbSNP rs2124479605, ClinGen allele CA346361777.